The following is an entry in ClinVar:

ClinVar aggregate classification (germline): Uncertain significance (1 of 4 stars; one submission).

Submission:

Labcorp Genetics (formerly Invitae), Labcorp
Classification: Uncertain significance. Last evaluated: 2020-11-10. Review status: criteria provided, single submitter. Criteria: Invitae Variant Classification Sherloc (09022015). Collection method: clinical testing. Allele origin: germline.
Comment: This sequence change replaces phenylalanine with serine at codon 278 of the POC1B protein (p.Phe278Ser). The phenylalanine residue is highly conserved and there is a large physicochemical difference between phenylalanine and serine. This variant is not present in population databases (ExAC no frequency). This variant has not been reported in the literature in individuals with POC1B-related conditions. Algorithms developed to predict the effect of missense changes on protein structure and function (SIFT, PolyPhen-2, Align-GVGD) all suggest that this variant is likely to be disruptive, but these predictions have not been confirmed by published functional studies and their clinical significance is uncertain. In summary, the available evidence is currently insufficient to determine the role of this variant in disease. Therefore, it has been classified as a Variant of Uncertain Significance.

NM_172240.3(POC1B):c.833T>C (p.Phe278Ser)

Genes: POC1B (POC1 centriolar protein B; minus strand), POC1B-DUSP6 (POC1B-DUSP6 readthrough; minus strand). Cytogenetic location: 12q21.33.
Variant type: single nucleotide variant.
Coding change: c.833T>C on transcript NM_172240.3 (MANE Select); coding-DNA position 833, T replaced by C.
Protein change: p.Phe278Ser; replaces phenylalanine 278 with serine.
Molecular consequence: missense variant. On other transcripts: non-coding transcript variant (2).
Genome position (GRCh38, 1-based): chr12:89,467,663, A>G on the plus strand (T>C on the coding strand, the complement: POC1B is on the minus strand). VCF-style: chr12-89467663-A-G. GRCh37 (hg19) VCF-style: chr12-89861440-A-G.
Other names: c.707T>C, p.Phe236Ser (NM_001199777.2); short protein forms F236S, F278S.
Identifiers: ClinVar variation 1474274 (VCV001474274.8), dbSNP rs2120833980, ClinGen allele CA385995181.